The following is an entry in ClinVar:

ClinVar aggregate classification (germline): VUS-mid (1 of 4 stars; one submission).

Conditions:
Amelogenesis imperfecta type 1E. Also called: ENAMEL HYPOPLASIA, X-LINKED 1; Amelogenesis imperfecta X-linked 1; Enamel hypoplasia X-linked; Amelogenesis imperfecta, hypomaturation type, with snow-capped teeth; Amelogenesis Imperfecta, Hypoplastic/Hypomaturation, X-Linked 1. Identifiers: Orphanet 88661, MedGen C1845053, MONDO:0010521, OMIM 301200. Disease mechanism: loss of function.

Submission:

Leeds Amelogenesis Imperfecta Research Group, University of Leeds
Classification: VUS-mid for Amelogenesis imperfecta type 1E. Last evaluated: 2026-03-18. Review status: criteria provided, single submitter. Criteria: ACMG Guidelines, 2015. Collection method: research. Allele origin: biparental. Inheritance: Autosomal recessive inheritance. Affected: yes. Observed: 1 variant allele, 1 hemizygote. Segregation with disease observed.
Comment: The NM_001142.2:c.404A>C variant in AMELX is predicted to result in a substitution: p.(Gln135Pro). This transcript lacks the signal peptide (but is included in Franklin so is used here) but the full transcript is NM_182680.1 and the variant is NM_182680.1: c.446A>C, p.(Gln149Pro). Variants in AMELX have been previously identified in individuals with amelogenesis imperfecta. This variant and family have been previously reported in Hany et al. 2025 PMID:40741335. This variant is not listed in ClinVar. However, the children of the family do also have fluorosis as a result of consuming water from a high fluoride source, so the phenotype is more difficult to dissect. This variant is reported in dbSNP (rs768133135) and is present in gnomAD with an allele frequency of 0.000003305 (PM2), but is extremely rare and has been identified only in 4 individuals in total as either a heterozygous or hemizygous variant (v.4.1.0), however Franklin records this variant as being observed as homozygous in one individual (BS2) referring to gnomAD, but this is inaccurate. CADD (v1.7) analysis showed this variant to have a score of 18.06 (20 indicates that the variant is in the top 1% of most deleterious variants of the genome, 30 indicates that it is in the top 0.1%) (PP3). Aggregated score on Franklin shows this variant’s score to be a variant of unknown significance. In summary, this variant meets criteria to be classified as a variant of unknown significance for amelogenesis imperfecta based on the ACMG/AMP criteria applied, as specified: PP1, PP4, PM2, BS2. The NM_001142.2:c.404A>C variant in AMELX is predicted to result in a substitution: p.(Gln135Pro). This transcript lacks the signal peptide (but is included in Franklin so is used here) but the full transcript is NM_182680.1 and the variant is NM_182680.1: c.446A>C, p.(Gln149Pro). Variants in AMELX have been previously identified in individuals with amelogenesis imperfecta. This variant has been previously reported in a publication. This variant is not listed in ClinVar. However, the children of the family do also have fluorosis as a result of consuming water from a high fluoride source, so the phenotype is more difficult to dissect. This variant is reported in dbSNP (rs768133135) and is present in gnomAD with an allele frequency of 0.000003305 (PM2), but is extremely rare and has been identified only in 4 individuals in total as either a heterozygous or hemizygous variant (v.4.1.0), however Franklin records this variant as being observed as homozygous in one individual (BS2) referring to gnomAD, but this is inaccurate. CADD (v1.7) analysis showed this variant to have a score of 18.06 (20 indicates that the variant is in the top 1% of most deleterious variants of the genome, 30 indicates that it is in the top 0.1%) (PP3). Aggregated score on Franklin shows this variant’s score to be a variant of unknown significance. The family and the variant have been reported by Hany et al. 2025: 10.1155/humu/8942542 In summary, this variant meets criteria to be classified as a variant of unknown significance for amelogenesis imperfecta based on the ACMG/AMP criteria applied, as specified: PP1, PP4, PM2, BS2. The NM_001142.2:c.404A>C variant in AMELX is predicted to result in a substitution: p.(Gln135Pro). This transcript lacks the signal peptide (but is included in Franklin so is used here) but the full transcript is NM_182680.1 and the variant is NM_182680.1: c.446A>C, p.(Gln149Pro). Variants in AMELX have been previously identified in individuals with amelogenesis imperfecta. This variant has been previously reported in a publication. This variant is not listed in ClinVar. However, the children of the family do also have fluorosis as a result of consuming water from a high fluoride source, so the phenotype is more difficult to dissect. This variant is reported in dbSNP (rs768133135) and is present in gnomAD with an allele frequency of 0.000003305 (PM2), but is extremely rare and has been identified only in 4 individuals in total as either a heterozygous or hemizygous variant (v.4.1.0), however Franklin records this variant as being observed as homozygous in one individual (BS2) referring to gnomAD, but this is inaccurate. CADD (v1.7) analysis showed this variant to have a score of 18.06 (20 indicates that the variant is in the top 1% of most deleterious variants of the genome, 30 indicates that it is in the top 0.1%) (PP3). Aggregated score on Franklin shows this variant’s score to be a variant of unknown significance. The family and the variant have been reported by Hany et al. 2025: 10.1155/humu/8942542 In summary, this variant meets criteria to be classified as a variant of unknown significance for amelogenesis imperfecta based on the ACMG/AMP criteria applied, as specified: PP1, PP4, PM2, BS2. The NM_001142.2:c.404A>C variant in AMELX is predicted to result in a substitution: p.(Gln135Pro). This transcript lacks the signal peptide (but is included in Franklin so is used here) but the full transcript is NM_182680.1 and the variant is NM_182680.1: c.446A>C, p.(Gln149Pro). Variants in AMELX have been previously identified in individuals with amelogenesis imperfecta. This variant has been previously reported in a publication. This variant is not listed in ClinVar. However, the children of the family do also have fluorosis as a result of consuming water from a high fluoride source, so the phenotype is more difficult to dissect. This variant is reported in dbSNP (rs768133135) and is present in gnomAD with an allele frequency of 0.000003305 (PM2), but is extremely rare and has been identified only in 4 individuals in total as either a heterozygous or hemizygous variant (v.4.1.0), however Franklin records this variant as being observed as homozygous in one individual (BS2) referring to gnomAD, but this is inaccurate. CADD (v1.7) analysis showed this variant to have a score of 18.06 (20 indicates that the variant is in the top 1% of most deleterious variants of the genome, 30 indicates that it is in the top 0.1%) (PP3). Aggregated score on Franklin shows this variant’s score to be a variant of unknown significance. The family and the variant have been reported by Hany et al. 2025: 10.1155/humu/8942542 In summary, this variant meets criteria to be classified as a variant of unknown significance for amelogenesis imperfecta based on the ACMG/AMP criteria applied, as specified: PP1, PP4, PM2, BS2.

Literature cited by the submitters: PubMed 40741335.

NM_001142.2(AMELX):c.404A>C (p.Gln135Pro)

Genes: ARHGAP6 (Rho GTPase activating protein 6; minus strand), AMELX (amelogenin X-linked; plus strand). Cytogenetic location: Xp22.2.
Variant type: single nucleotide variant.
Coding change: c.404A>C on transcript NM_001142.2 (MANE Select); coding-DNA position 404, A replaced by C.
Protein change: p.Gln135Pro; replaces glutamine 135 with proline.
Molecular consequence: missense variant. On other transcripts: intron variant (3).
Genome position (GRCh38, 1-based): chrX:11,298,807, A>C. VCF-style: chrX-11298807-A-C. GRCh37 (hg19) VCF-style: chrX-11316927-A-C.
Other names: c.446A>C, p.Gln149Pro (NM_182680.1); c.356A>C, p.Gln119Pro (NM_182681.1); c.589-44100T>G (NM_013427.3, NM_006125.3); c.49-44100T>G (NM_001287242.2); short protein forms Q119P, Q135P, Q149P.
Identifiers: ClinVar variation 4813875 (VCV004813875.1).
Genomic context (GRCh38, chrX:11,298,807, plus strand): 5'-ACCAGCCAAACCTCCCTCCGCCCGCCCAGCAGCCCTACCAGCCCCAGCCTGTTCAGCCAC[A>C]GCCTCACCAGCCCATGCAGCCCCAGCCACCTGTGCACCCCATGCAGCCCCTGCCGCCACA-3'
Protein context (NP_001133.1, residues 125-145): QPYQPQPVQP[Gln135Pro]PHQPMQPQPP